The following is an entry in ClinVar:

NM_015341.5(NCAPH):c.1952T>C (p.Met651Thr)

Gene: NCAPH (non-SMC condensin I complex subunit H; plus strand). Cytogenetic location: 2q11.2.
Variant type: single nucleotide variant.
Coding change: c.1952T>C on transcript NM_015341.5 (MANE Select); coding-DNA position 1952, T replaced by C.
Protein change: p.Met651Thr; replaces methionine 651 with threonine.
Molecular consequence: missense variant.
Genome position (GRCh38, 1-based): chr2:96,367,327, T>C. VCF-style: chr2-96367327-T-C. GRCh37 (hg19) VCF-style: chr2-97033065-T-C.
Other names: c.1919T>C, p.Met640Thr (NM_001281710.2); c.1880T>C, p.Met627Thr (NM_001281711.2); c.1544T>C, p.Met515Thr (NM_001281712.2); short protein forms M640T, M651T, M627T, M515T.
Identifiers: ClinVar variation 1027976 (VCV001027976.1), dbSNP rs2064714077, ClinGen allele CA347672240.
Genomic context (GRCh38, chr2:96,367,327, plus strand): 5'-TTGAAATTCACTATGCCAAGACTGCCAAAAAGATGGACATGAAGAAACTGAAGCAGAGCA[T>C]GTGGAGTCTGCTGACAGCGCTCTCCGGAAAGGAGGCAGATGCAGAGGTCAGATGCTCTTG-3'
Protein context (NP_056156.2, residues 641-661): KMDMKKLKQS[Met651Thr]WSLLTALSGK

ClinVar aggregate classification (germline): Uncertain significance (1 of 4 stars; one submission).

Conditions:
Microcephaly 23, primary, autosomal recessive. Identifiers: MedGen C4693843, MONDO:0054806, OMIM 617985.

Allele frequency attached by ClinVar (database versions not stated): gnomAD exomes below 0.00001; gnomAD 0.00001.
gnomAD v4.1: 4 of 1,613,560 alleles (0.00025%); highest among the groups gnomAD compares: African/African-American, 0.0013%; no homozygotes.

Submission:

Baylor Genetics
Classification: Uncertain significance for Microcephaly 23, primary, autosomal recessive. Last evaluated: 2019-12-04. Review status: criteria provided, single submitter. Criteria: ACMG Guidelines, 2015. Collection method: clinical testing. Allele origin: unknown. Affected: yes.
Comment: This variant was determined to be of uncertain significance according to ACMG Guidelines, 2015 [PMID:25741868].